The following is an entry in ClinVar:

NM_022336.4(EDAR):c.397A>C (p.Met133Leu)

Genes: EDAR (ectodysplasin A receptor; minus strand), RANBP2 (RAN binding protein 2; plus strand). Cytogenetic location: 2q13.
Variant type: single nucleotide variant.
Coding change: c.397A>C on transcript NM_022336.4 (MANE Select); coding-DNA position 397, A replaced by C.
Protein change: p.Met133Leu; replaces methionine 133 with leucine.
Molecular consequence: missense variant.
Genome position (GRCh38, 1-based): chr2:108,923,413, T>G on the plus strand (A>C on the coding strand, the complement: EDAR is on the minus strand). VCF-style: chr2-108923413-T-G. GRCh37 (hg19) VCF-style: chr2-109539869-T-G.
Other names: short protein forms M133L.
Identifiers: ClinVar variation 2938400 (VCV002938400.3), dbSNP rs753394117, ClinGen allele CA1825095.

ClinVar aggregate classification (germline): Uncertain significance (1 of 4 stars; one submission).

Conditions:
Ectodermal dysplasia 10A, hypohidrotic/hair/nail type, autosomal dominant (ECTD10A). Also called: Ectodermal Dysplasia 3, Anhidrotic. Identifiers: Orphanet 1810, Orphanet 238468, MedGen C3888065, MONDO:0007509, OMIM 129490.
Autosomal recessive hypohidrotic ectodermal dysplasia syndrome. Also called: Autosomal recessive hypohidrotic ectodermal dysplasia. Identifiers: Orphanet 248, MedGen C0406702, MONDO:0016619.

Allele frequency attached by ClinVar (database versions not stated): ExAC 0.00001; gnomAD exomes 0.00001.
gnomAD v4.1: 4 of 1,614,146 alleles (0.00025%); highest among the groups gnomAD compares: Admixed American, 0.005%; no homozygotes.

Submission:

Labcorp Genetics (formerly Invitae), Labcorp
Classification: Uncertain significance for Ectodermal dysplasia 10A, hypohidrotic/hair/nail type, autosomal dominant; Autosomal recessive hypohidrotic ectodermal dysplasia syndrome. Last evaluated: 2023-11-25. Review status: criteria provided, single submitter. Criteria: Invitae Variant Classification Sherloc (09022015). Collection method: clinical testing. Allele origin: germline.
Comment: This sequence change replaces methionine, which is neutral and non-polar, with leucine, which is neutral and non-polar, at codon 133 of the EDAR protein (p.Met133Leu). This variant is present in population databases (rs753394117, gnomAD 0.003%). This variant has not been reported in the literature in individuals affected with EDAR-related conditions. Advanced modeling of protein sequence and biophysical properties (such as structural, functional, and spatial information, amino acid conservation, physicochemical variation, residue mobility, and thermodynamic stability) performed at Invitae indicates that this missense variant is not expected to disrupt EDAR protein function with a negative predictive value of 80%. In summary, the available evidence is currently insufficient to determine the role of this variant in disease. Therefore, it has been classified as a Variant of Uncertain Significance.